The following is an entry in ClinVar:

NM_033380.3(COL4A5):c.2653A>T (p.Lys885Ter)

Gene: COL4A5 (collagen type IV alpha 5 chain; plus strand). Cytogenetic location: Xq22.3.
Variant type: single nucleotide variant.
Coding change: c.2653A>T on transcript NM_033380.3 (MANE Select); coding-DNA position 2653, A replaced by T.
Protein change: p.Lys885Ter; replaces lysine 885 with a stop codon.
Molecular consequence: nonsense.
Genome position (GRCh38, 1-based): chrX:108,620,402, A>T. VCF-style: chrX-108620402-A-T. GRCh37 (hg19) VCF-style: chrX-107863632-A-T.
Other names: c.2653A>T, p.Lys885Ter (NM_000495.5); short protein forms K885*.
Identifiers: ClinVar variation 983896 (VCV000983896.3), dbSNP rs2067017511, ClinGen allele CA413851653.
Genomic context (GRCh38, chrX:108,620,402, plus strand): 5'-CCAGGGATCCCCGGAGCACCTGGTCCTATAGGACCTCCAGGATCACCAGGGCTTCCAGGA[A>T]AAGCAGGTGCCTCTGGATTTCCAGGTAATTTGTTTAAAGTTTTCTCTGATTTGGATTAAG-3'

ClinVar aggregate classification (germline): Likely pathogenic (1 of 4 stars; one submission).

Conditions:
X-linked Alport syndrome (ATS1). Also called: NEPHROPATHY AND DEAFNESS, X-LINKED; COL4A5-Related Nephropathy. Identifiers: Orphanet 63, Orphanet 88917, MedGen C4746986, MONDO:0010520, OMIM 301050.

Submission:

Myriad Genetics, Inc.
Classification: Likely pathogenic for X-linked Alport syndrome. Last evaluated: 2019-12-25. Review status: criteria provided, single submitter. Criteria: Myriad Women's Health Autosomal Recessive and X-Linked Classification Criteria (2019). Collection method: clinical testing. Allele origin: unknown.
Comment: NM_000495.4(COL4A5):c.2653A>T(K885*) is expected to be pathogenic in the context of X-linked Alport syndrome. This variant is predicted to lead to an abnormal or absent protein product due to the creation of a premature termination codon in COL4A5, a gene where loss-of-function variants are known to be pathogenic. Please note: this variant was assessed in the context of healthy population screening.